The following is an entry in ClinVar:

ClinVar aggregate classification (germline): Uncertain significance (1 of 4 stars; one submission).

Allele frequency attached by ClinVar (database versions not stated): TOPMed 0.00001.

Submission:

GeneDx
Classification: Uncertain significance. Last evaluated: 2019-10-10. Review status: criteria provided, single submitter. Criteria: GeneDx Variant Classification Process June 2021. Collection method: clinical testing. Allele origin: germline. Affected: yes.
Comment: Not observed at a significant frequency in large population cohorts (Lek et al., 2016); Intronic +5 splice site variant predicted to result in aberrant splicing. In the absence of RNA/functional studies, the actual effect of this sequence change is unknown.; Has not been previously published as pathogenic or benign to our knowledge

NM_024577.4(SH3TC2):c.279+5G>A

Gene: SH3TC2 (SH3 domain and tetratricopeptide repeats 2; minus strand). Cytogenetic location: 5q32.
Variant type: single nucleotide variant.
Coding change: c.279+5G>A on transcript NM_024577.4 (MANE Select); 5 bases into the intron after coding-DNA position 279, G replaced by A.
Molecular consequence: intron variant.
Genome position (GRCh38, 1-based): chr5:149,047,857, C>T on the plus strand (G>A on the coding strand, the complement: SH3TC2 is on the minus strand). VCF-style: chr5-149047857-C-T. GRCh37 (hg19) VCF-style: chr5-148427420-C-T.
Identifiers: ClinVar variation 1211894 (VCV001211894.3), dbSNP rs1371552621, ClinGen allele CA805453505.